The following is an entry in ClinVar:

NM_000090.4(COL3A1):c.2665A>T (p.Asn889Tyr)

Gene: COL3A1 (collagen type III alpha 1 chain; plus strand). Cytogenetic location: 2q32.2.
Variant type: single nucleotide variant.
Coding change: c.2665A>T on transcript NM_000090.4 (MANE Select); coding-DNA position 2665, A replaced by T.
Protein change: p.Asn889Tyr; replaces asparagine 889 with tyrosine.
Molecular consequence: missense variant.
Genome position (GRCh38, 1-based): chr2:189,003,985, A>T. VCF-style: chr2-189003985-A-T. GRCh37 (hg19) VCF-style: chr2-189868711-A-T.
Other names: p.N889Y:AAC>TAC; short protein forms N889Y.
Identifiers: ClinVar variation 199733 (VCV000199733.19), dbSNP rs761469859, ClinGen allele CA005577.

ClinVar aggregate classification (germline): Uncertain significance. Review status: criteria provided, multiple submitters, no conflicts (2 of 4 stars). 5 submissions from 5 submitters: Uncertain significance (5). Last evaluated 2025-08-26.

Conditions:
Polymicrogyria with or without vascular-type Ehlers-Danlos syndrome. Identifiers: Orphanet 636941, MedGen C5193040, MONDO:0032688, OMIM 618343.
Ehlers-Danlos syndrome, type 4 (EDSVASC). Also called: Ehlers-Danlos syndrome vascular type; Ehlers Danlos syndrome, ecchymotic type; Ehlers Danlos syndrome, arterial type; Ehlers Danlos syndrome, Sack-Barabas type; Ehlers-Danlos Syndrome Type IV. Identifiers: Orphanet 286, MedGen C0268338, MONDO:0017314, OMIM 130050.
Familial thoracic aortic aneurysm and aortic dissection (TAAD). Also called: Thoracic aortic aneurysms and dissections. Identifiers: Orphanet 91387, MedGen C4707243, MONDO:0019625.

Allele frequency attached by ClinVar (database versions not stated): ExAC 0.00001; gnomAD 0.00001; gnomAD exomes 0.00001; TOPMed 0.00001.
gnomAD v4.1: 18 of 1,610,090 alleles (0.0011%); highest among the groups gnomAD compares: Non-Finnish European, 0.0015%; no homozygotes.

Submissions (6):

Labcorp Genetics (formerly Invitae), Labcorp
Classification: Uncertain significance for Ehlers-Danlos syndrome, type 4. Last evaluated: 2025-08-26. Review status: criteria provided, single submitter. Criteria: Invitae Variant Classification Sherloc (09022015). Collection method: clinical testing. Allele origin: germline.
Comment: This sequence change replaces asparagine, which is neutral and polar, with tyrosine, which is neutral and polar, at codon 889 of the COL3A1 protein (p.Asn889Tyr). This variant is present in population databases (rs761469859, gnomAD 0.002%). This variant has not been reported in the literature in individuals affected with COL3A1-related conditions. ClinVar contains an entry for this variant (Variation ID: 199733). Invitae Evidence Modeling of protein sequence and biophysical properties (such as structural, functional, and spatial information, amino acid conservation, physicochemical variation, residue mobility, and thermodynamic stability) indicates that this missense variant is not expected to disrupt COL3A1 protein function with a negative predictive value of 95%. In summary, the available evidence is currently insufficient to determine the role of this variant in disease. Therefore, it has been classified as a Variant of Uncertain Significance.

All of Us Research Program, National Institutes of Health
Classification: Uncertain significance for Ehlers-Danlos syndrome, type 4. Last evaluated: 2024-09-11. Review status: criteria provided, single submitter. Criteria: ACMG Guidelines, 2015. Collection method: clinical testing. Allele origin: germline. Inheritance: Autosomal dominant inheritance. Observed: 8 variant alleles, 8 heterozygotes.
Comment: This missense variant replaces asparagine with tyrosine at codon 889 of the COL3A1 protein. Computational prediction is inconclusive regarding the impact of this variant on protein structure and function (internally defined REVEL score threshold 0.5 < inconclusive < 0.7, PMID: 27666373). To our knowledge, functional studies have not been reported for this variant. This variant has not been reported in individuals affected with cardiovascular disorders in the literature. This variant has been identified in 3/276064 chromosomes in the general population by the Genome Aggregation Database (gnomAD). The available evidence is insufficient to determine the role of this variant in disease conclusively. Therefore, this variant is classified as a Variant of Uncertain Significance.

This study involves interpretation of variants in research participants for the purpose of population health screening. Participant phenotype was not available at the time of variant classification. Additional details can be found in publication PMID: 35346344, PMCID: PMC8962531

Color Diagnostics, LLC DBA Color Health
Classification: Uncertain significance for Familial thoracic aortic aneurysm and aortic dissection. Last evaluated: 2024-03-06. Review status: criteria provided, single submitter. Criteria: ACMG Guidelines, 2015. Collection method: clinical testing. Allele origin: germline.
Comment: This missense variant replaces asparagine with tyrosine at codon 889 of the COL3A1 protein. Computational prediction is inconclusive regarding the impact of this variant on protein structure and function (internally defined REVEL score threshold 0.5 < inconclusive < 0.7, PMID: 27666373). To our knowledge, functional studies have not been reported for this variant. This variant has not been reported in individuals affected with COL3A1-related disorders in the literature. This variant has been identified in 3/276064 chromosomes in the general population by the Genome Aggregation Database (gnomAD). The available evidence is insufficient to determine the role of this variant in disease conclusively. Therefore, this variant is classified as a Variant of Uncertain Significance.

Fulgent Genetics
Classification: Uncertain significance for Ehlers-Danlos syndrome, type 4; Polymicrogyria with or without vascular-type Ehlers-Danlos syndrome. Last evaluated: 2021-09-07. Review status: criteria provided, single submitter. Criteria: ACMG Guidelines, 2015. Collection method: clinical testing. Allele origin: unknown.

GeneDx
Classification: Uncertain significance. Last evaluated: 2013-02-25. Review status: criteria provided, single submitter. Criteria: GeneDx Variant Classification (06012015). Collection method: clinical testing. Allele origin: germline. Affected: yes.
Comment: p.Asn889Tyr (AAC>TAC): c.2665 A>T in exon 39 of the COL3A1 gene (NM_000090.3) The Asn889Tyr variant in the COL3A1 gene has not been reported as a disease-causing mutation or as a benign polymorphism to our knowledge. Asn889Tyr results in a semi-conservative amino acid substitution of neutral, polar Asparagine with a larger neutral, polar Tyrosine at a position that is conserved in mammals. Mutations in nearby codons (Gly882Asn, Gly894Asp) have been reported in association with Ehlers-Danlos syndrome (EDS), supporting the functional importance of this region of the protein. The Asn889Tyr variant was not observed in approximately 6,500 individuals of European and African American ancestry in the NHLBI Exome Sequencing Project, indicating it is not a common benign variant in these populations. However, in silico analysis predictions are conflicting regarding the effect of Asn889Tyr on the protein structure/function. With the clinical and molecular information available at this time, we cannot definitively determine if Asn889Tyr is a disease-causing mutation or a rare benign variant. The variant is found in TAAD panel(s).

Dr. Peter K. Rogan Lab, Western University
No classification provided (evidence only). Condition: Sarcoma. Review status: no classification provided. Collection method: in vitro. Allele origin: not applicable. Functional consequence: retained intron. Not counted in ClinVar's aggregate classification.